The following is an entry in ClinVar:

NM_001282531.3(ADNP):c.2453A>T (p.Tyr818Phe)

Gene: ADNP (activity dependent neuroprotector homeobox; minus strand). Cytogenetic location: 20q13.13.
Variant type: single nucleotide variant.
Coding change: c.2453A>T on transcript NM_001282531.3 (MANE Select); coding-DNA position 2453, A replaced by T.
Protein change: p.Tyr818Phe; replaces tyrosine 818 with phenylalanine.
Molecular consequence: missense variant.
Genome position (GRCh38, 1-based): chr20:50,892,261, T>A on the plus strand (A>T on the coding strand, the complement: ADNP is on the minus strand). VCF-style: chr20-50892261-T-A. GRCh37 (hg19) VCF-style: chr20-49508798-T-A.
Other names: c.2453A>T, p.Tyr818Phe (NM_001282532.2, NM_001347511.2, NM_015339.5 and 1 more transcripts); short protein forms Y818F.
Identifiers: ClinVar variation 2012440 (VCV002012440.4), dbSNP rs1205621979, ClinGen allele CA408969427.

ClinVar aggregate classification (germline): Uncertain significance (1 of 4 stars; one submission).

Allele frequency attached by ClinVar (database versions not stated): gnomAD 0.00001.
gnomAD v4.1: 1 of 1,614,060 alleles (0.000062%); highest among the groups gnomAD compares: African/African-American, 0.0013%; no homozygotes.

Submission:

Labcorp Genetics (formerly Invitae), Labcorp
Classification: Uncertain significance. Last evaluated: 2022-06-30. Review status: criteria provided, single submitter. Criteria: Invitae Variant Classification Sherloc (09022015). Collection method: clinical testing. Allele origin: germline.
Comment: Algorithms developed to predict the effect of missense changes on protein structure and function are either unavailable or do not agree on the potential impact of this missense change (SIFT: "Not Available"; PolyPhen-2: "Possibly Damaging"; Align-GVGD: "Not Available"). This variant has not been reported in the literature in individuals affected with ADNP-related conditions. This variant is present in population databases (no rsID available, gnomAD 0.01%). This sequence change replaces tyrosine, which is neutral and polar, with phenylalanine, which is neutral and non-polar, at codon 818 of the ADNP protein (p.Tyr818Phe). In summary, the available evidence is currently insufficient to determine the role of this variant in disease. Therefore, it has been classified as a Variant of Uncertain Significance.